The following is an entry in ClinVar:

NM_001365536.1(SCN9A):c.5401A>G (p.Lys1801Glu)

Genes: SCN9A (sodium voltage-gated channel alpha subunit 9; minus strand), SCN1A-AS1 (SCN1A and SCN9A antisense RNA 1; plus strand). Cytogenetic location: 2q24.3.
Variant type: single nucleotide variant.
Coding change: c.5401A>G on transcript NM_001365536.1 (MANE Select); coding-DNA position 5401, A replaced by G.
Protein change: p.Lys1801Glu; replaces lysine 1801 with glutamic acid.
Molecular consequence: missense variant.
Genome position (GRCh38, 1-based): chr2:166,199,238, T>C on the plus strand (A>G on the coding strand, the complement: SCN9A is on the minus strand). VCF-style: chr2-166199238-T-C. GRCh37 (hg19) VCF-style: chr2-167055748-T-C.
Other names: c.5368A>G, p.Lys1790Glu (NM_002977.4); short protein forms K1790E, K1801E.
Identifiers: ClinVar variation 2954532 (VCV002954532.3), dbSNP rs2468876448, ClinGen allele CA349053020.

ClinVar aggregate classification (germline): Uncertain significance (1 of 4 stars; one submission).

Conditions:
Neuropathy, hereditary sensory and autonomic, type 2A (HSAN2A). Also called: MORVAN DISEASE; NEUROPATHY, CONGENITAL SENSORY; NEUROPATHY, HEREDITARY SENSORY RADICULAR, AUTOSOMAL RECESSIVE; NEUROPATHY, HEREDITARY SENSORY, TYPE IIA; NEUROPATHY, PROGRESSIVE SENSORY, OF CHILDREN; HSAN IIA. Identifiers: Orphanet 970, MedGen C2752089, MONDO:0024309, OMIM 201300.
Generalized epilepsy with febrile seizures plus, type 7 (GEFSP7). Also called: GEFS+, TYPE 7. Identifiers: Orphanet 36387, MedGen C2751778, MONDO:0013470, OMIM 613863.

Submission:

Labcorp Genetics (formerly Invitae), Labcorp
Classification: Uncertain significance for Neuropathy, hereditary sensory and autonomic, type 2A; Generalized epilepsy with febrile seizures plus, type 7. Last evaluated: 2023-12-09. Review status: criteria provided, single submitter. Criteria: Invitae Variant Classification Sherloc (09022015). Collection method: clinical testing. Allele origin: germline.
Comment: This sequence change replaces lysine, which is basic and polar, with glutamic acid, which is acidic and polar, at codon 1790 of the SCN9A protein (p.Lys1790Glu). This variant is not present in population databases (gnomAD no frequency). This variant has not been reported in the literature in individuals affected with SCN9A-related conditions. Advanced modeling of protein sequence and biophysical properties (such as structural, functional, and spatial information, amino acid conservation, physicochemical variation, residue mobility, and thermodynamic stability) performed at Invitae indicates that this missense variant is not expected to disrupt SCN9A protein function with a negative predictive value of 95%. In summary, the available evidence is currently insufficient to determine the role of this variant in disease. Therefore, it has been classified as a Variant of Uncertain Significance.